The following is an entry in ClinVar:

NM_000283.4(PDE6B):c.110A>G (p.Glu37Gly)

Gene: PDE6B (phosphodiesterase 6B; plus strand). Cytogenetic location: 4p16.3.
Variant type: single nucleotide variant.
Coding change: c.110A>G on transcript NM_000283.4 (MANE Select); coding-DNA position 110, A replaced by G.
Protein change: p.Glu37Gly; replaces glutamic acid 37 with glycine.
Molecular consequence: missense variant.
Genome position (GRCh38, 1-based): chr4:625,736, A>G. VCF-style: chr4-625736-A-G. GRCh37 (hg19) VCF-style: chr4-619525-A-G.
Other names: c.110A>G, p.Glu37Gly (NM_001145291.2); short protein forms E37G.
Identifiers: ClinVar variation 903662 (VCV000903662.8), dbSNP rs1208473466, ClinGen allele CA355906178.
Genomic context (GRCh38, chr4:625,736, plus strand): 5'-ATTTTGCCCGCCAGTACTTTGGGAAGAAACTGAGCCCTGAGAATGTGGCCGCGGCCTGCG[A>G]GGACGGGTGCCCGCCGGACTGCGACAGCCTCCGGGACCTCTGCCAGGTGGAGGAGAGCAC-3'
Protein context (NP_000274.3, residues 27-47): LSPENVAAAC[Glu37Gly]DGCPPDCDSL

ClinVar aggregate classification (germline): Uncertain significance. Review status: criteria provided, multiple submitters, no conflicts (2 of 4 stars). 3 submissions from 2 submitters: Uncertain significance (3). Last evaluated 2025-01-13.

Conditions:
Retinitis pigmentosa (RP). Identifiers: Orphanet 791, MedGen C0035334, MeSH D012174, MONDO:0019200, OMIM 268000. Inheritance: Autosomal dominant, autosomal recessive and X linked inheritance.
Congenital stationary night blindness autosomal dominant 2. Also called: NIGHT BLINDNESS, CONGENITAL STATIONARY, RAMBUSCH TYPE. Identifiers: Orphanet 215, MedGen C1876182, MONDO:0008099, OMIM 163500.

Allele frequency attached by ClinVar (database versions not stated): TOPMed below 0.00001.

Submissions (3):

Labcorp Genetics (formerly Invitae), Labcorp
Classification: Uncertain significance. Last evaluated: 2025-01-13. Review status: criteria provided, single submitter. Criteria: Invitae Variant Classification Sherloc (09022015). Collection method: clinical testing. Allele origin: germline.
Comment: This sequence change replaces glutamic acid, which is acidic and polar, with glycine, which is neutral and non-polar, at codon 37 of the PDE6B protein (p.Glu37Gly). This variant is not present in population databases (gnomAD no frequency). This variant has not been reported in the literature in individuals affected with PDE6B-related conditions. ClinVar contains an entry for this variant (Variation ID: 903662). Invitae Evidence Modeling of protein sequence and biophysical properties (such as structural, functional, and spatial information, amino acid conservation, physicochemical variation, residue mobility, and thermodynamic stability) indicates that this missense variant is not expected to disrupt PDE6B protein function with a negative predictive value of 95%. In summary, the available evidence is currently insufficient to determine the role of this variant in disease. Therefore, it has been classified as a Variant of Uncertain Significance.

Illumina Laboratory Services, Illumina
Classification: Uncertain significance for Retinitis pigmentosa. Last evaluated: 2018-01-13. Review status: criteria provided, single submitter. Criteria: ICSL Variant Classification Criteria 13 December 2019. Collection method: clinical testing. Allele origin: germline.

Illumina Laboratory Services, Illumina
Classification: Uncertain significance for Congenital stationary night blindness autosomal dominant 2. Last evaluated: 2018-01-13. Review status: criteria provided, single submitter. Criteria: ICSL Variant Classification Criteria 13 December 2019. Collection method: clinical testing. Allele origin: germline.